The following is an entry in ClinVar:

ClinVar aggregate classification (germline): Uncertain significance (1 of 4 stars; one submission).

Conditions:
Charcot-Marie-Tooth disease axonal type 2O. Also called: Charcot-Marie-Tooth disease, axonal, type 20; CHARCOT-MARIE-TOOTH NEUROPATHY, AXONAL, TYPE 2O; CHARCOT-MARIE-TOOTH DISEASE, AXONAL, AUTOSOMAL DOMINANT, TYPE 2O; Charcot-Marie-Tooth Neuropathy Type 2O. Identifiers: Orphanet 284232, MedGen C3280220, MONDO:0013644, OMIM 614228.

Submission:

Labcorp Genetics (formerly Invitae), Labcorp
Classification: Uncertain significance for Charcot-Marie-Tooth disease axonal type 2O. Last evaluated: 2025-06-23. Review status: criteria provided, single submitter. Criteria: Invitae Variant Classification Sherloc (09022015). Collection method: clinical testing. Allele origin: germline.
Comment: This sequence change replaces histidine, which is basic and polar, with arginine, which is basic and polar, at codon 4508 of the DYNC1H1 protein (p.His4508Arg). This variant is not present in population databases (gnomAD no frequency). This variant has not been reported in the literature in individuals affected with DYNC1H1-related conditions. ClinVar contains an entry for this variant (Variation ID: 2711798). Invitae Evidence Modeling of protein sequence and biophysical properties (such as structural, functional, and spatial information, amino acid conservation, physicochemical variation, residue mobility, and thermodynamic stability) indicates that this missense variant is not expected to disrupt DYNC1H1 protein function with a negative predictive value of 95%. In summary, the available evidence is currently insufficient to determine the role of this variant in disease. Therefore, it has been classified as a Variant of Uncertain Significance.

NM_001376.5(DYNC1H1):c.13523A>G (p.His4508Arg)

Gene: DYNC1H1 (dynein cytoplasmic 1 heavy chain 1; plus strand). Cytogenetic location: 14q32.31.
Variant type: single nucleotide variant.
Coding change: c.13523A>G on transcript NM_001376.5 (MANE Select); coding-DNA position 13523, A replaced by G.
Protein change: p.His4508Arg; replaces histidine 4508 with arginine.
Molecular consequence: missense variant.
Genome position (GRCh38, 1-based): chr14:102,049,721, A>G. VCF-style: chr14-102049721-A-G. GRCh37 (hg19) VCF-style: chr14-102516058-A-G.
Other names: short protein forms H4508R.
Identifiers: ClinVar variation 2711798 (VCV002711798.3), dbSNP rs2503889434, ClinGen allele CA391049944.